The following is an entry in ClinVar:

ClinVar aggregate classification (germline): Pathogenic (1 of 4 stars; one submission).

Conditions:
Aniridia 1 (AN1). Identifiers: Orphanet 250923, MedGen C0344542, MONDO:0024507, OMIM 106210.
Irido-corneo-trabecular dysgenesis (ASGD5). Also called: ANTERIOR SEGMENT DYSGENESIS 5. Identifiers: Orphanet 708, MedGen C0344559, MONDO:0011414, OMIM 604229, HP:0000659.

Submission:

Labcorp Genetics (formerly Invitae), Labcorp
Classification: Pathogenic for Aniridia 1; Irido-corneo-trabecular dysgenesis. Last evaluated: 2024-08-08. Review status: criteria provided, single submitter. Criteria: Invitae Variant Classification Sherloc (09022015). Collection method: clinical testing. Allele origin: germline.
Comment: This sequence change replaces glycine, which is neutral and non-polar, with arginine, which is basic and polar, at codon 18 of the PAX6 protein (p.Gly18Arg). This variant is not present in population databases (gnomAD no frequency). This missense change has been observed in individual(s) with aniridia or Peters anomaly (PMID: 12015275; Invitae). In at least one individual the variant was observed to be de novo. ClinVar contains an entry for this variant (Variation ID: 1075401). Advanced modeling of protein sequence and biophysical properties (such as structural, functional, and spatial information, amino acid conservation, physicochemical variation, residue mobility, and thermodynamic stability) performed at Invitae indicates that this missense variant is expected to disrupt PAX6 protein function with a positive predictive value of 80%. Experimental studies have shown that this missense change affects PAX6 function (PMID: 20577777). Algorithms developed to predict the effect of sequence changes on RNA splicing suggest that this variant may create or strengthen a splice site. For these reasons, this variant has been classified as Pathogenic.

Literature cited by the submitters: PubMed 12015275; PubMed 20577777.

NM_001368894.2(PAX6):c.52G>A (p.Gly18Arg)

Gene: PAX6 (paired box 6; minus strand). Cytogenetic location: 11p13.
Variant type: single nucleotide variant.
Coding change: c.52G>A on transcript NM_001368894.2 (MANE Select); coding-DNA position 52, G replaced by A.
Protein change: p.Gly18Arg; replaces glycine 18 with arginine.
Molecular consequence: missense variant. On other transcripts: 5 prime UTR variant (12), non-coding transcript variant (2), intron variant (2).
Genome position (GRCh38, 1-based): chr11:31,802,793, C>T on the plus strand (G>A on the coding strand, the complement: PAX6 is on the minus strand). VCF-style: chr11-31802793-C-T. GRCh37 (hg19) VCF-style: chr11-31824341-C-T.
Other names: c.52G>A, p.Gly18Arg (NM_000280.6, NM_001127612.3, NM_001258462.3 and 30 more transcripts); c.-730G>A (NM_001310160.2, NM_001368905.2); c.-399G>A (NM_001310161.3, NM_001368900.2, NM_001368903.2 and 2 more transcripts); c.-357G>A (NM_001368899.2, NM_001368901.2, NM_001368906.2 and 1 more transcripts); c.-688G>A (NM_001368902.2); c.295G>A, p.Gly99Arg (NM_001368910.2); c.55G>A, p.Gly19Arg (NM_001368911.2); c.-267-1017G>A (NM_001368909.2, NM_001368904.2); short protein forms G18R, G19R, G99R.
Identifiers: ClinVar variation 1075401 (VCV001075401.9), dbSNP rs886044289, ClinGen allele CA379959645.